The following is an entry in ClinVar:

ClinVar aggregate classification (germline): Uncertain significance (1 of 4 stars; one submission).

Conditions:
Cardiovascular phenotype. Identifiers: MedGen CN230736.

gnomAD v4.1: 1 of 1,548,602 alleles (0.000065%); highest among the groups gnomAD compares: African/African-American, 0.0014%; no homozygotes.

Submission:

Ambry Genetics
Classification: Uncertain significance for Cardiovascular phenotype. Last evaluated: 2024-10-28. Review status: criteria provided, single submitter. Criteria: Ambry Variant Classification Scheme 2023. Collection method: clinical testing. Allele origin: germline.
Comment: The p.E780D variant (also known as c.2340A>C), located in coding exon 3 of the TNXB gene, results from an A to C substitution at nucleotide position 2340. The glutamic acid at codon 780 is replaced by aspartic acid, an amino acid with highly similar properties. This amino acid position is conserved. In addition, the in silico prediction for this alteration is inconclusive. Based on the available evidence, the clinical significance of this variant remains unclear.

NM_001365276.2(TNXB):c.2340A>C (p.Glu780Asp)

Gene: TNXB (tenascin XB; minus strand). Cytogenetic location: 6p21.33.
Variant type: single nucleotide variant.
Coding change: c.2340A>C on transcript NM_001365276.2 (MANE Select); coding-DNA position 2340, A replaced by C.
Protein change: p.Glu780Asp; replaces glutamic acid 780 with aspartic acid.
Molecular consequence: missense variant.
Genome position (GRCh38, 1-based): chr6:32,095,094, T>G on the plus strand (A>C on the coding strand, the complement: TNXB is on the minus strand). VCF-style: chr6-32095094-T-G. GRCh37 (hg19) VCF-style: chr6-32062871-T-G.
Other names: c.2340A>C, p.Glu780Asp (NM_001428335.1, NM_019105.8); short protein forms E780D.
Identifiers: ClinVar variation 3459895 (VCV003459895.1).